The following is an entry in ClinVar:

ClinVar aggregate classification (germline): Uncertain significance. Review status: criteria provided, multiple submitters, no conflicts (2 of 4 stars). 3 submissions from 3 submitters: Uncertain significance (3). Last evaluated 2025-02-05.

Conditions:
Hereditary cancer-predisposing syndrome. Also called: Hereditary Cancer Syndrome; Neoplastic Syndromes, Hereditary; Hereditary neoplastic syndrome; Tumor predisposition. Identifiers: Orphanet 140162, MedGen C0027672, MeSH D009386, MONDO:0015356.
Cardiovascular phenotype. Identifiers: MedGen CN230736.
Neurofibromatosis, type 1 (NF1). Also called: Peripheral type neurofibromatosis; Neurofibromatosis, type I; NEUROFIBROMATOSIS, TYPE I, SOMATIC; VON RECKLINGHAUSEN DISEASE. Identifiers: Orphanet 636, MedGen C0027831, MONDO:0018975, OMIM 162200. Disease mechanism: loss of function.

Submissions (3):

Ambry Genetics
Classification: Uncertain significance for Cardiovascular phenotype; Hereditary cancer-predisposing syndrome. Last evaluated: 2025-02-05. Review status: criteria provided, single submitter. Criteria: Ambry Variant Classification Scheme 2023. Collection method: clinical testing. Allele origin: germline.
Comment: The p.A456V variant (also known as c.1367C>T), located in coding exon 12 of the NF1 gene, results from a C to T substitution at nucleotide position 1367. The alanine at codon 456 is replaced by valine, an amino acid with similar properties. This amino acid position is well conserved in available vertebrate species. In addition, this alteration is predicted to be tolerated by in silico analysis. Since supporting evidence is limited at this time, the clinical significance of this alteration remains unclear.

Labcorp Genetics (formerly Invitae), Labcorp
Classification: Uncertain significance for Neurofibromatosis, type 1. Last evaluated: 2024-04-02. Review status: criteria provided, single submitter. Criteria: Invitae Variant Classification Sherloc (09022015). Collection method: clinical testing. Allele origin: germline.
Comment: This sequence change replaces alanine, which is neutral and non-polar, with valine, which is neutral and non-polar, at codon 456 of the NF1 protein (p.Ala456Val). This variant is not present in population databases (gnomAD no frequency). This variant has not been reported in the literature in individuals affected with NF1-related conditions. ClinVar contains an entry for this variant (Variation ID: 819018). Advanced modeling of protein sequence and biophysical properties (such as structural, functional, and spatial information, amino acid conservation, physicochemical variation, residue mobility, and thermodynamic stability) performed at Invitae indicates that this missense variant is not expected to disrupt NF1 protein function with a negative predictive value of 95%. In summary, the available evidence is currently insufficient to determine the role of this variant in disease. Therefore, it has been classified as a Variant of Uncertain Significance.

Genome-Nilou Lab
Classification: Uncertain significance for Neurofibromatosis, type 1. Last evaluated: 2022-03-15. Review status: criteria provided, single submitter. Criteria: ACMG Guidelines, 2015. Collection method: clinical testing. Allele origin: germline. Affected: no.

NM_001042492.3(NF1):c.1367C>T (p.Ala456Val)

Gene: NF1 (neurofibromin 1; plus strand). Cytogenetic location: 17q11.2.
Variant type: single nucleotide variant.
Coding change: c.1367C>T on transcript NM_001042492.3 (MANE Select); coding-DNA position 1367, C replaced by T.
Protein change: p.Ala456Val; replaces alanine 456 with valine.
Molecular consequence: missense variant.
Genome position (GRCh38, 1-based): chr17:31,206,346, C>T. VCF-style: chr17-31206346-C-T. GRCh37 (hg19) VCF-style: chr17-29533364-C-T.
Other names: c.1367C>T, p.Ala456Val (NM_000267.4, NM_001128147.3); short protein forms A456V.
Identifiers: ClinVar variation 819018 (VCV000819018.11), dbSNP rs1597688962, ClinGen allele CA398999767.